The following is an entry in ClinVar:

ClinVar aggregate classification (germline): Uncertain significance. Review status: criteria provided, multiple submitters, no conflicts (2 of 4 stars). 2 submissions from 2 submitters: Uncertain significance (2). Last evaluated 2024-03-27.

Allele frequency attached by ClinVar (database versions not stated): TOPMed below 0.00001; gnomAD 0.00001; gnomAD exomes 0.00001; ExAC 0.00002.
gnomAD v4.1: 13 of 1,614,010 alleles (0.00081%); highest among the groups gnomAD compares: Non-Finnish European, 0.00017%; no homozygotes.

Submissions (2):

GeneDx
Classification: Uncertain significance. Last evaluated: 2024-03-27. Review status: criteria provided, single submitter. Criteria: GeneDx Variant Classification Process June 2021. Collection method: clinical testing. Allele origin: germline. Affected: yes.
Comment: In silico analysis supports that this missense variant has a deleterious effect on protein structure/function; Has not been previously published as pathogenic or benign to our knowledge

Labcorp Genetics (formerly Invitae), Labcorp
Classification: Uncertain significance. Last evaluated: 2022-02-11. Review status: criteria provided, single submitter. Criteria: Invitae Variant Classification Sherloc (09022015). Collection method: clinical testing. Allele origin: germline.
Comment: This sequence change replaces aspartic acid, which is acidic and polar, with histidine, which is basic and polar, at codon 1775 of the OTOF protein (p.Asp1775His). This variant is present in population databases (rs776992000, gnomAD 0.03%). This missense change has been observed in individual(s) with deafness (Invitae). In at least one individual the data is consistent with being in trans (on the opposite chromosome) from a pathogenic variant. Algorithms developed to predict the effect of missense changes on protein structure and function (SIFT, PolyPhen-2, Align-GVGD) all suggest that this variant is likely to be disruptive. In summary, the available evidence is currently insufficient to determine the role of this variant in disease. Therefore, it has been classified as a Variant of Uncertain Significance.

NM_194248.3(OTOF):c.5323G>C (p.Asp1775His)

Gene: OTOF (otoferlin; minus strand). Cytogenetic location: 2p23.3.
Variant type: single nucleotide variant.
Coding change: c.5323G>C on transcript NM_194248.3 (MANE Select); coding-DNA position 5323, G replaced by C.
Protein change: p.Asp1775His; replaces aspartic acid 1775 with histidine.
Molecular consequence: missense variant.
Genome position (GRCh38, 1-based): chr2:26,461,906, C>G on the plus strand (G>C on the coding strand, the complement: OTOF is on the minus strand). VCF-style: chr2-26461906-C-G. GRCh37 (hg19) VCF-style: chr2-26684774-C-G.
Other names: c.5323G>C, p.Asp1775His (NM_001287489.2); c.3022G>C, p.Asp1008His (NM_004802.4, NM_194323.3); c.3253G>C, p.Asp1085His (NM_194322.3); short protein forms D1008H, D1085H, D1775H.
Identifiers: ClinVar variation 2421827 (VCV002421827.4), dbSNP rs776992000, ClinGen allele CA1562848.